The following is an entry in ClinVar:

NM_031308.4(EPPK1):c.4110C>T (p.His1370=)

Gene: EPPK1 (epiplakin 1; minus strand). Cytogenetic location: 8q24.3.
Variant type: single nucleotide variant.
Coding change: c.4110C>T on transcript NM_031308.4 (MANE Select); coding-DNA position 4110, C replaced by T.
Protein change: p.His1370=; no amino-acid change (histidine 1370 retained).
Molecular consequence: synonymous variant.
Genome position (GRCh38, 1-based): chr8:143,869,144, G>A on the plus strand (C>T on the coding strand, the complement: EPPK1 is on the minus strand). VCF-style: chr8-143869144-G-A. GRCh37 (hg19) VCF-style: chr8-144943312-G-A.
Identifiers: ClinVar variation 3053987 (VCV003053987.2), dbSNP rs143464035, ClinGen allele CA4922597.

ClinVar aggregate classification (germline): Likely benign (0 of 4 stars; one submission).

Conditions:
EPPK1-related disorder. Also called: EPPK1-related condition.

Allele frequency attached by ClinVar (database versions not stated): gnomAD exomes 0.00006; ExAC 0.00014; ESP Exome Variant Server 0.00024; gnomAD 0.00033; TOPMed 0.00036; 1000 Genomes Project 30x 0.00047; 1000 Genomes Project 0.00060.
gnomAD v4.1: 152 of 1,606,234 alleles (0.0095%); highest among the groups gnomAD compares: African/African-American, 0.14%; no homozygotes.

Submission:

PreventionGenetics, part of Exact Sciences
Classification: Likely benign for EPPK1-related condition. Last evaluated: 2022-06-16. Review status: no assertion criteria provided. Collection method: clinical testing. Allele origin: germline.
Comment: This variant is classified as likely benign based on ACMG/AMP sequence variant interpretation guidelines (Richards et al. 2015 PMID: 25741868, with internal and published modifications).